The following is an entry in ClinVar:

ClinVar aggregate classification (germline): Uncertain significance. Review status: criteria provided, multiple submitters, no conflicts (2 of 4 stars). 2 submissions from 2 submitters: Uncertain significance (2). Last evaluated 2025-07-15.

Conditions:
Ataxia-telangiectasia syndrome (AT). Also called: Ataxia-telangiectasia; ATAXIA-TELANGIECTASIA, FRESNO VARIANT; Ataxia-telangiectasia, complementation group E; ATAXIA-TELANGIECTASIA, COMPLEMENTATION GROUP A; Ataxia telangiectasia (A-T); Cerebello-oculocutaneous telangiectasia. Identifiers: Orphanet 100, MedGen C0004135, MONDO:0008840, OMIM 208900.
Hereditary cancer-predisposing syndrome. Also called: Hereditary Cancer Syndrome; Hereditary neoplastic syndrome; Tumor predisposition; Neoplastic Syndromes, Hereditary. Identifiers: Orphanet 140162, MedGen C0027672, MeSH D009386, MONDO:0015356.

Submissions (2):

Labcorp Genetics (formerly Invitae), Labcorp
Classification: Uncertain significance for Ataxia-telangiectasia syndrome. Last evaluated: 2025-07-15. Review status: criteria provided, single submitter. Criteria: Invitae Variant Classification Sherloc (09022015). Collection method: clinical testing. Allele origin: germline.
Comment: This sequence change replaces proline, which is neutral and non-polar, with leucine, which is neutral and non-polar, at codon 955 of the ATM protein (p.Pro955Leu). This variant is not present in population databases (gnomAD no frequency). This variant has not been reported in the literature in individuals affected with ATM-related conditions. ClinVar contains an entry for this variant (Variation ID: 3801799). Invitae Evidence Modeling of protein sequence and biophysical properties (such as structural, functional, and spatial information, amino acid conservation, physicochemical variation, residue mobility, and thermodynamic stability) indicates that this missense variant is not expected to disrupt ATM protein function with a negative predictive value of 95%. In summary, the available evidence is currently insufficient to determine the role of this variant in disease. Therefore, it has been classified as a Variant of Uncertain Significance.

Ambry Genetics
Classification: Uncertain significance for Hereditary cancer-predisposing syndrome. Last evaluated: 2025-01-10. Review status: criteria provided, single submitter. Criteria: Ambry Variant Classification Scheme 2023. Collection method: clinical testing. Allele origin: germline.
Comment: The p.P955L variant (also known as c.2864C>T), located in coding exon 18 of the ATM gene, results from a C to T substitution at nucleotide position 2864. The proline at codon 955 is replaced by leucine, an amino acid with similar properties. This amino acid position is conserved. In addition, the in silico prediction for this alteration is inconclusive. Based on the available evidence, the clinical significance of this variant remains unclear.

NM_000051.4(ATM):c.2864C>T (p.Pro955Leu)

Gene: ATM (ATM serine/threonine kinase; plus strand). Cytogenetic location: 11q22.3.
Variant type: single nucleotide variant.
Coding change: c.2864C>T on transcript NM_000051.4 (MANE Select); coding-DNA position 2864, C replaced by T.
Protein change: p.Pro955Leu; replaces proline 955 with leucine.
Molecular consequence: missense variant.
Genome position (GRCh38, 1-based): chr11:108,271,089, C>T. VCF-style: chr11-108271089-C-T. GRCh37 (hg19) VCF-style: chr11-108141816-C-T.
Other names: c.2864C>T, p.Pro955Leu (NM_001351834.2); short protein forms P955L.
Identifiers: ClinVar variation 3801799 (VCV003801799.2).